The following is an entry in ClinVar:

NM_000275.3(OCA2):c.493C>T (p.Arg165Ter)

Gene: OCA2 (OCA2 melanosomal transmembrane protein; minus strand). Cytogenetic location: 15q13.1.
Variant type: single nucleotide variant.
Coding change: c.493C>T on transcript NM_000275.3 (MANE Select); coding-DNA position 493, C replaced by T.
Protein change: p.Arg165Ter; replaces arginine 165 with a stop codon.
Molecular consequence: nonsense.
Genome position (GRCh38, 1-based): chr15:28,027,893, G>A on the plus strand (C>T on the coding strand, the complement: OCA2 is on the minus strand). VCF-style: chr15-28027893-G-A. GRCh37 (hg19) VCF-style: chr15-28273039-G-A.
Other names: c.493C>T, p.Arg165Ter (NM_001300984.2); c.493C>T (NM_000275.2); short protein forms R165*.
Identifiers: ClinVar variation 1450195 (VCV001450195.11), dbSNP rs2141347507, ClinGen allele CA391361797.

ClinVar aggregate classification (germline): Pathogenic/Likely pathogenic. Review status: criteria provided, multiple submitters, no conflicts (2 of 4 stars). 5 submissions from 5 submitters: Pathogenic (4); Likely pathogenic (1). Last evaluated 2025-01-28.

Conditions:
Tyrosinase-positive oculocutaneous albinism (OCA2). Also called: Oculocutaneous albinism type 2; ALBINISM II; Albinism, oculocutaneous, type II. Identifiers: Orphanet 79432, MedGen C0268495, MONDO:0008746, OMIM 203200.
SKIN/HAIR/EYE PIGMENTATION 1, BLUE/NONBLUE EYES (SHEP1). Also called: SKIN/HAIR/EYE PIGMENTATION 1, BLOND/BROWN HAIR; SKIN/HAIR/EYE PIGMENTATION 1, BLUE/BROWN EYES; BROWN EYE COLOR 2; EYE COLOR 3; EYE COLOR, BLUE/NONBLUE; EYE COLOR, BROWN/BLUE. Identifiers: MedGen C1856895, OMIM 227220.

Allele frequency attached by ClinVar (database versions not stated): gnomAD exomes 0.00001.
gnomAD v4.1: 8 of 1,613,438 alleles (0.0005%); highest among the groups gnomAD compares: African/African-American, 0.0027%; no homozygotes.

Submissions (5):

GeneDx
Classification: Pathogenic. Last evaluated: 2025-01-28. Review status: criteria provided, single submitter. Criteria: GeneDx Variant Classification Process June 2021. Collection method: clinical testing. Allele origin: germline. Affected: yes.
Comment: Nonsense variant predicted to result in protein truncation or nonsense mediated decay in a gene for which loss of function is a known mechanism of disease; Not observed at significant frequency in large population cohorts (gnomAD); This variant is associated with the following publications: (PMID: 24641678, 29345414, 28976636, 27734839, 34838614, 35488210)

Labcorp Genetics (formerly Invitae), Labcorp
Classification: Pathogenic. Last evaluated: 2025-01-23. Review status: criteria provided, single submitter. Criteria: Invitae Variant Classification Sherloc (09022015). Collection method: clinical testing. Allele origin: germline.
Comment: This sequence change creates a premature translational stop signal (p.Arg165*) in the OCA2 gene. It is expected to result in an absent or disrupted protein product. Loss-of-function variants in OCA2 are known to be pathogenic (PMID: 19865097, 21541274). This variant is not present in population databases (gnomAD no frequency). This premature translational stop signal has been observed in individuals with clinical features of oculocutaneous albinism (PMID: 24641678, 27734839, 28976636). ClinVar contains an entry for this variant (Variation ID: 1450195). For these reasons, this variant has been classified as Pathogenic.

Laboratory of Genetic Epidemiology, Research Centre for Medical Genetics
Classification: Likely pathogenic for SKIN/HAIR/EYE PIGMENTATION 1, BLUE/NONBLUE EYES; Tyrosinase-positive oculocutaneous albinism. Last evaluated: 2025-01-01. Review status: criteria provided, single submitter. Criteria: ACMG Guidelines, 2015. Collection method: clinical testing. Allele origin: unknown. Inheritance: Autosomal recessive inheritance. Affected: yes. Observed: 1 heterozygote.
Comment: This variant has been previously reported in the literature multiple times (PMIDs: 24641678, 28976636, 34838614) and is not listed in gnomAD v3.1.2. Taken together, the variant meets the following ACMG/AMP criteria and can be classified as likely pathogenic with PM2, PVS1, PP4 criteria.

Myriad Genetics, Inc.
Classification: Pathogenic for Tyrosinase-positive oculocutaneous albinism. Last evaluated: 2024-05-01. Review status: criteria provided, single submitter. Criteria: Myriad Autosomal Dominant, Autosomal Recessive and X-Linked Classification Criteria (2023). Collection method: clinical testing. Allele origin: unknown.
Comment: NM_000275.2(OCA2):c.493C>T(R165*) is expected to be pathogenic in the context of oculocutaneous albinism, OCA2-related. This variant is predicted to lead to an abnormal or absent protein product due to the creation of a premature termination codon in OCA2, a gene where loss-of-function variants are known to be pathogenic. Please note: this variant was assessed in the context of healthy population screening.

Baylor Genetics
Classification: Pathogenic for SKIN/HAIR/EYE PIGMENTATION 1, BLUE/NONBLUE EYES. Last evaluated: 2023-11-29. Review status: criteria provided, single submitter. Criteria: ACMG Guidelines, 2015. Collection method: clinical testing. Allele origin: unknown.

Literature cited by the submitters: PubMed 19865097 (cited by Labcorp Genetics (formerly Invitae), Labcorp); PubMed 21541274 (cited by Labcorp Genetics (formerly Invitae), Labcorp); PubMed 24641678 (cited by Labcorp Genetics (formerly Invitae), Labcorp and Laboratory of Genetic Epidemiology, Research Centre for Medical Genetics); PubMed 27734839 (cited by Labcorp Genetics (formerly Invitae), Labcorp); PubMed 28976636 (cited by Labcorp Genetics (formerly Invitae), Labcorp and Laboratory of Genetic Epidemiology, Research Centre for Medical Genetics); PubMed 34838614 (cited by Laboratory of Genetic Epidemiology, Research Centre for Medical Genetics); PubMed 41428507 (cited by Laboratory of Genetic Epidemiology, Research Centre for Medical Genetics).